The following is an entry in ClinVar:

ClinVar aggregate classification (germline): Uncertain significance (1 of 4 stars; one submission).

Conditions:
Familial thoracic aortic aneurysm and aortic dissection (TAAD). Also called: Thoracic aortic aneurysms and dissections. Identifiers: Orphanet 91387, MedGen C4707243, MONDO:0019625.

Allele frequency attached by ClinVar (database versions not stated): gnomAD exomes below 0.00001; TOPMed 0.00001.
gnomAD v4.1: 1 of 1,614,222 alleles (0.000062%); highest among the groups gnomAD compares: African/African-American, 0.0013%; no homozygotes.

Submission:

Ambry Genetics
Classification: Uncertain significance for Familial thoracic aortic aneurysm and aortic dissection. Last evaluated: 2021-10-07. Review status: criteria provided, single submitter. Criteria: Ambry Variant Classification Scheme 2023. Collection method: clinical testing. Allele origin: germline.
Comment: The p.D985N variant (also known as c.2953G>A), located in coding exon 22 of the MYH11 gene, results from a G to A substitution at nucleotide position 2953. The aspartic acid at codon 985 is replaced by asparagine, an amino acid with highly similar properties. This amino acid position is conserved. In addition, this alteration is predicted to be tolerated by in silico analysis. Since supporting evidence is limited at this time, the clinical significance of this alteration remains unclear.

NM_002474.3(MYH11):c.2953G>A (p.Asp985Asn)

Gene: MYH11 (myosin heavy chain 11; minus strand). Cytogenetic location: 16p13.11.
Variant type: single nucleotide variant.
Coding change: c.2953G>A on transcript NM_002474.3 (MANE Select); coding-DNA position 2953, G replaced by A.
Protein change: p.Asp985Asn; replaces aspartic acid 985 with asparagine.
Molecular consequence: missense variant.
Genome position (GRCh38, 1-based): chr16:15,740,095, C>T on the plus strand (G>A on the coding strand, the complement: MYH11 is on the minus strand). VCF-style: chr16-15740095-C-T. GRCh37 (hg19) VCF-style: chr16-15833952-C-T.
Other names: c.2974G>A, p.Asp992Asn (NM_001040113.2, NM_001040114.2); c.2953G>A, p.Asp985Asn (NM_022844.3); short protein forms D985N, D992N.
Identifiers: ClinVar variation 1798085 (VCV001798085.2), dbSNP rs1409062479, ClinGen allele CA394864665.
Genomic context (GRCh38, chr16:15,740,095, plus strand): 5'-CCCGGCCCCTACTCACTTTTGATAGTTTATTGTTCTGATCATCCATGACCAGGATCTCAT[C>T]CTCCAGTTTCTTGATCTTGGCCTCAGCCGTGACCTTCTCAAGTTGCAGCTTCTGCCTGGC-3'
Protein context (NP_002465.1, residues 975-995): TAEAKIKKLE[Asp985Asn]EILVMDDQNN